The following is an entry in ClinVar:

ClinVar aggregate classification (germline): Uncertain significance (1 of 4 stars; one submission).

gnomAD v4.1: 122 of 1,614,102 alleles (0.0076%); highest among the groups gnomAD compares: Non-Finnish European, 0.0097%; no homozygotes.

Submission:

Labcorp Genetics (formerly Invitae), Labcorp
Classification: Uncertain significance. Last evaluated: 2025-10-23. Review status: criteria provided, single submitter. Criteria: Invitae Variant Classification Sherloc (09022015). Collection method: clinical testing. Allele origin: germline.
Comment: This sequence change replaces tyrosine, which is neutral and polar, with cysteine, which is neutral and slightly polar, at codon 434 of the DHCR24 protein (p.Tyr434Cys). This variant is present in population databases (rs141524907, gnomAD 0.009%). This variant has not been reported in the literature in individuals affected with DHCR24-related conditions. Invitae Evidence Modeling of protein sequence and biophysical properties (such as structural, functional, and spatial information, amino acid conservation, physicochemical variation, residue mobility, and thermodynamic stability) indicates that this missense variant is expected to disrupt DHCR24 protein function with a positive predictive value of 80%. In summary, the available evidence is currently insufficient to determine the role of this variant in disease. Therefore, it has been classified as a Variant of Uncertain Significance.

NM_014762.4(DHCR24):c.1301A>G (p.Tyr434Cys)

Gene: DHCR24 (24-dehydrocholesterol reductase; minus strand). Cytogenetic location: 1p32.3.
Variant type: single nucleotide variant.
Coding change: c.1301A>G on transcript NM_014762.4 (MANE Select); coding-DNA position 1301, A replaced by G.
Protein change: p.Tyr434Cys; replaces tyrosine 434 with cysteine.
Molecular consequence: missense variant.
Genome position (GRCh38, 1-based): chr1:54,853,530, T>C on the plus strand (A>G on the coding strand, the complement: DHCR24 is on the minus strand). VCF-style: chr1-54853530-T-C. GRCh37 (hg19) VCF-style: chr1-55319203-T-C.
Other names: short protein forms Y434C.
Identifiers: ClinVar variation 4751851 (VCV004751851.1).
Genomic context (GRCh38, chr1:54,853,530, plus strand): 5'-ATGCAGGACCTGGCTTCAAAGTGTTTCACACGCGGCTCCCCATATGCTCCAATGTCGATG[T>C]AGAGCTCTGCCTCATTTCCTTTGGGGTGCACTAGGCCTGGCTGGCTGGGCAGGATGAACG-3'
Protein context (NP_055577.1, residues 424-444): VHPKGNEAEL[Tyr434Cys]IDIGAYGEPR